The following is an entry in ClinVar:

NM_000094.4(COL7A1):c.4612C>T (p.Arg1538Cys)

Gene: COL7A1 (collagen type VII alpha 1 chain; minus strand). Cytogenetic location: 3p21.31.
Variant type: single nucleotide variant.
Coding change: c.4612C>T on transcript NM_000094.4 (MANE Select); coding-DNA position 4612, C replaced by T.
Protein change: p.Arg1538Cys; replaces arginine 1538 with cysteine.
Molecular consequence: missense variant.
Genome position (GRCh38, 1-based): chr3:48,582,346, G>A on the plus strand (C>T on the coding strand, the complement: COL7A1 is on the minus strand). VCF-style: chr3-48582346-G-A. GRCh37 (hg19) VCF-style: chr3-48619779-G-A.
Other names: short protein forms R1538C.
Identifiers: ClinVar variation 75132 (VCV000075132.21), dbSNP rs149711883, ClinGen allele CA2379931.

ClinVar aggregate classification (germline): Benign/Likely benign. Review status: criteria provided, multiple submitters, no conflicts (2 of 4 stars). 5 submissions from 5 submitters: Benign (1); Likely benign (2). 2 of the submissions do not count toward it. Last evaluated 2026-02-02.

Conditions:
Epidermolysis bullosa dystrophica. Also called: Dystrophic epidermolysis bullosa, Hallopeau-Siemens type (formerly); Dystrophic epidermolysis bullosa. Identifiers: Orphanet 303, MedGen C0079294, MONDO:0006543.
COL7A1-related disorder. Also called: COL7A1- related disorders; COL7A1-related condition.

Allele frequency attached by ClinVar (database versions not stated): gnomAD exomes 0.00072 and 0.00023; ExAC 0.00086; 1000 Genomes Project 30x 0.00203; 1000 Genomes Project 0.00220; gnomAD 0.00268 and 0.00288; TOPMed 0.00280; ESP Exome Variant Server 0.00354.
gnomAD v4.1: 761 of 1,614,012 alleles (0.047%); highest among the groups gnomAD compares: African/African-American, 0.87%; 4 homozygotes.

Submissions (5):

Labcorp Genetics (formerly Invitae), Labcorp
Classification: Benign. Last evaluated: 2026-02-02. Review status: criteria provided, single submitter. Criteria: Invitae Variant Classification Sherloc (09022015). Collection method: clinical testing. Allele origin: germline.

Illumina Laboratory Services, Illumina
Classification: Likely benign for Dystrophic epidermolysis bullosa. Last evaluated: 2018-01-13. Review status: criteria provided, single submitter. Criteria: ICSL Variant Classification Criteria 13 December 2019. Collection method: clinical testing. Allele origin: germline.
Comment: This variant was observed in the ICSL laboratory as part of a predisposition screen in an ostensibly healthy population. It had not been previously curated by ICSL or reported in the Human Gene Mutation Database (HGMD: prior to June 1st, 2018), and was therefore a candidate for classification through an automated scoring system. Utilizing variant allele frequency, disease prevalence and penetrance estimates, and inheritance mode, an automated score was calculated to assess if this variant is too frequent to cause the disease. Based on the score and internal cut-off values, a variant classified as likely benign is not then subjected to further curation. The score for this variant resulted in a classification of likely benign for this disease.

Center for Pediatric Genomic Medicine, Children's Mercy Hospital and Clinics
Classification: Likely benign. Last evaluated: 2015-09-28. Review status: criteria provided, single submitter. Criteria: ACMG Guidelines, 2015. Collection method: clinical testing. Allele origin: germline.
ClinVar note: Converted during submission from Likely Benign to Likely benign.

PreventionGenetics, part of Exact Sciences
Classification: Likely benign for COL7A1-related condition. Last evaluated: 2023-12-04. Review status: no assertion criteria provided. Collection method: clinical testing. Allele origin: germline. Not counted in ClinVar's aggregate classification.
Comment: This variant is classified as likely benign based on ACMG/AMP sequence variant interpretation guidelines (Richards et al. 2015 PMID: 25741868, with internal and published modifications).

Natera, Inc.
Classification: Benign for Dystrophic epidermolysis bullosa. Last evaluated: 2020-01-16. Review status: no assertion criteria provided. Collection method: clinical testing. Allele origin: germline. Not counted in ClinVar's aggregate classification.